The following is an entry in ClinVar:

ClinVar aggregate classification (germline): Uncertain significance (1 of 4 stars; one submission).

Submission:

Labcorp Genetics (formerly Invitae), Labcorp
Classification: Uncertain significance. Last evaluated: 2025-10-18. Review status: criteria provided, single submitter. Criteria: Invitae Variant Classification Sherloc (09022015). Collection method: clinical testing. Allele origin: germline.
Comment: This sequence change affects the initiator codon of the USB1 mRNA. This change may impact translation initiation or efficiency. The next in-frame methionine is located at codon 22. This variant is not present in population databases (gnomAD no frequency). This variant has not been reported in the literature in individuals affected with USB1-related conditions. Experimental studies and prediction algorithms are not available or were not evaluated, and the functional significance of this variant is currently unknown. In summary, the available evidence is currently insufficient to determine the role of this variant in disease. Therefore, it has been classified as a Variant of Uncertain Significance.

NM_024598.4(USB1):c.2T>A (p.Met1Lys)

Genes: USB1 (U6 snRNA biogenesis phosphodiesterase 1; plus strand), LOC112469011 (Sharpr-MPRA regulatory region 3942; plus strand). Cytogenetic location: 16q21.
Variant type: single nucleotide variant.
Coding change: c.2T>A on transcript NM_024598.4 (MANE Select); coding-DNA position 2, T replaced by A.
Protein change: p.Met1Lys; changes the start codon (methionine 1).
Molecular consequence: missense variant, initiator codon variant. On other transcripts: intron variant (1).
Genome position (GRCh38, 1-based): chr16:58,001,485, T>A. VCF-style: chr16-58001485-T-A. GRCh37 (hg19) VCF-style: chr16-58035389-T-A.
Other names: c.2T>A, p.Met1Lys (NM_001195302.2, NM_001204911.2, NM_001330569.2); c.-55-994T>A (NM_001330568.2); short protein forms M1K.
Identifiers: ClinVar variation 4749086 (VCV004749086.1).
Genomic context (GRCh38, chr16:58,001,485, plus strand): 5'-CTCCGGGTGCCGGTTGAGGTTGCTGGTGGACCTGCTCTGGTGGTCTTGGATGAGGCCCCA[T>A]GAGCGCGGCGCCCCTGGTGGGCTACAGCAGCAGCGGCTCCGAGGATGAGTCCGAGGACGG-3'
Protein context (NP_078874.2, residues 1-11): [Met1Lys]SAAPLVGYSS